The following is an entry in ClinVar:

NM_014956.5(CEP164):c.1361C>T (p.Ser454Phe)

Gene: CEP164 (centrosomal protein 164; plus strand). Cytogenetic location: 11q23.3.
Variant type: single nucleotide variant.
Coding change: c.1361C>T on transcript NM_014956.5 (MANE Select); coding-DNA position 1361, C replaced by T.
Protein change: p.Ser454Phe; replaces serine 454 with phenylalanine.
Molecular consequence: missense variant.
Genome position (GRCh38, 1-based): chr11:117,380,657, C>T. VCF-style: chr11-117380657-C-T. GRCh37 (hg19) VCF-style: chr11-117251373-C-T.
Other names: c.1361C>T, p.Ser454Phe (NM_001271933.2, NM_001440949.1, NM_001440950.1 and 16 more transcripts); c.1283C>T, p.Ser428Phe (NM_001440952.1, NM_001440954.1, NM_001440955.1 and 16 more transcripts); c.1223C>T, p.Ser408Phe (NM_001440960.1); c.1202C>T, p.Ser401Phe (NM_001440972.1); short protein forms S401F, S408F, S428F, S454F.
Identifiers: ClinVar variation 4992609 (VCV004992609.1).

ClinVar aggregate classification (germline): Uncertain significance (1 of 4 stars; one submission).

Conditions:
CEP164-related disorder. Also called: CEP164-related condition.

Submission:

PreventionGenetics, part of Exact Sciences
Classification: Uncertain significance for CEP164-related condition. Last evaluated: 2026-02-20. Review status: criteria provided, single submitter. Criteria: ACMG Guidelines, 2015. Collection method: clinical testing. Allele origin: germline.
Comment: The CEP164 c.1361C>T variant is predicted to result in the amino acid substitution p.Ser454Phe. To our knowledge, this variant has not been reported in the literature or in a large population database (gnomAD), indicating this variant is rare. At this time, the clinical significance of this variant is uncertain due to the absence of conclusive functional and genetic evidence.